The following is an entry in ClinVar:

ClinVar aggregate classification (germline): Uncertain significance (1 of 4 stars; one submission).

Submission:

Labcorp Genetics (formerly Invitae), Labcorp
Classification: Uncertain significance. Last evaluated: 2022-07-26. Review status: criteria provided, single submitter. Criteria: Invitae Variant Classification Sherloc (09022015). Collection method: clinical testing. Allele origin: germline.
Comment: Algorithms developed to predict the effect of missense changes on protein structure and function (SIFT, PolyPhen-2, Align-GVGD) all suggest that this variant is likely to be tolerated. ClinVar contains an entry for this variant (Variation ID: 1062951). This variant has not been reported in the literature in individuals affected with BRPF1-related conditions. This variant is not present in population databases (gnomAD no frequency). This sequence change replaces serine, which is neutral and polar, with glycine, which is neutral and non-polar, at codon 1015 of the BRPF1 protein (p.Ser1015Gly). In summary, the available evidence is currently insufficient to determine the role of this variant in disease. Therefore, it has been classified as a Variant of Uncertain Significance.

NM_001003694.2(BRPF1):c.3043A>G (p.Ser1015Gly)

Gene: BRPF1 (bromodomain and PHD finger containing 1; plus strand). Cytogenetic location: 3p25.3.
Variant type: single nucleotide variant.
Coding change: c.3043A>G on transcript NM_001003694.2 (MANE Select); coding-DNA position 3043, A replaced by G.
Protein change: p.Ser1015Gly; replaces serine 1015 with glycine.
Molecular consequence: missense variant. On other transcripts: non-coding transcript variant (1).
Genome position (GRCh38, 1-based): chr3:9,745,130, A>G. VCF-style: chr3-9745130-A-G. GRCh37 (hg19) VCF-style: chr3-9786814-A-G.
Other names: c.2740A>G, p.Ser914Gly (NM_001319049.2); c.3022A>G, p.Ser1008Gly (NM_001319050.2); c.3025A>G, p.Ser1009Gly (NM_004634.3); short protein forms S1008G, S1009G, S1015G, S914G.
Identifiers: ClinVar variation 1062951 (VCV001062951.5), dbSNP rs2125513526, ClinGen allele CA351703019.